The following is an entry in ClinVar:

NM_001939.3(DRP2):c.2648G>A (p.Gly883Asp)

Gene: DRP2 (dystrophin related protein 2; plus strand). Cytogenetic location: Xq22.1.
Variant type: single nucleotide variant.
Coding change: c.2648G>A on transcript NM_001939.3 (MANE Select); coding-DNA position 2648, G replaced by A.
Protein change: p.Gly883Asp; replaces glycine 883 with aspartic acid.
Molecular consequence: missense variant.
Genome position (GRCh38, 1-based): chrX:101,260,068, G>A. VCF-style: chrX-101260068-G-A. GRCh37 (hg19) VCF-style: chrX-100515057-G-A.
Other names: c.2414G>A, p.Gly805Asp (NM_001171184.2); short protein forms G805D, G883D.
Identifiers: ClinVar variation 2897192 (VCV002897192.3), dbSNP rs767023589, ClinGen allele CA10472506.

ClinVar aggregate classification (germline): Uncertain significance (1 of 4 stars; one submission).

Allele frequency attached by ClinVar (database versions not stated): gnomAD exomes below 0.00001; ExAC 0.00001.
gnomAD v4.1: 1 of 1,211,412 alleles (0.000083%); highest among the groups gnomAD compares: Non-Finnish European, 0.00011%; no homozygotes.

Submission:

Labcorp Genetics (formerly Invitae), Labcorp
Classification: Uncertain significance. Last evaluated: 2023-10-03. Review status: criteria provided, single submitter. Criteria: Invitae Variant Classification Sherloc (09022015). Collection method: clinical testing. Allele origin: germline.
Comment: This sequence change replaces glycine, which is neutral and non-polar, with aspartic acid, which is acidic and polar, at codon 883 of the DRP2 protein (p.Gly883Asp). This variant is present in population databases (rs767023589, gnomAD 0.001%). This variant has not been reported in the literature in individuals affected with DRP2-related conditions. Advanced modeling of protein sequence and biophysical properties (such as structural, functional, and spatial information, amino acid conservation, physicochemical variation, residue mobility, and thermodynamic stability) performed at Invitae indicates that this missense variant is not expected to disrupt DRP2 protein function. In summary, the available evidence is currently insufficient to determine the role of this variant in disease. Therefore, it has been classified as a Variant of Uncertain Significance.